The following is an entry in ClinVar:

NM_001113378.2(FANCI):c.3816+6C>T

Gene: FANCI (FA complementation group I; plus strand). Cytogenetic location: 15q26.1.
Variant type: single nucleotide variant.
Coding change: c.3816+6C>T on transcript NM_001113378.2 (MANE Select); 6 bases into the intron after coding-DNA position 3816, C replaced by T.
Molecular consequence: intron variant.
Genome position (GRCh38, 1-based): chr15:89,314,713, C>T. VCF-style: chr15-89314713-C-T. GRCh37 (hg19) VCF-style: chr15-89857944-C-T.
Other names: c.3636+6C>T (NM_018193.3); c.3816+6C>T (NM_001376911.1); c.3537+6C>T (NM_001376910.1).
Identifiers: ClinVar variation 1488613 (VCV001488613.7), dbSNP rs989969696, ClinGen allele CA274533803.

ClinVar aggregate classification (germline): Uncertain significance. Review status: criteria provided, multiple submitters, no conflicts (2 of 4 stars). 2 submissions from 2 submitters: Uncertain significance (2). Last evaluated 2026-05-10.

Conditions:
Fanconi anemia (FA). Also called: Fanconi's anemia. Identifiers: Orphanet 84, MedGen C0015625, MeSH D005199, MONDO:0019391.

Allele frequency attached by ClinVar (database versions not stated): TOPMed 0.00003; gnomAD 0.00001 and 0.00002; gnomAD exomes 0.00001.
gnomAD v4.1: 22 of 1,593,574 alleles (0.0014%); highest among the groups gnomAD compares: Non-Finnish European, 0.0018%; no homozygotes.

Submissions (2):

Women's Health and Genetics/Laboratory Corporation of America, LabCorp
Classification: Uncertain significance. Last evaluated: 2026-05-10. Review status: criteria provided, single submitter. Criteria: LabCorp Variant Classification Summary - May 2015. Collection method: clinical testing. Allele origin: germline.

Labcorp Genetics (formerly Invitae), Labcorp
Classification: Uncertain significance for Fanconi anemia. Last evaluated: 2023-08-11. Review status: criteria provided, single submitter. Criteria: Invitae Variant Classification Sherloc (09022015). Collection method: clinical testing. Allele origin: germline.
Comment: This sequence change falls in intron 36 of the FANCI gene. It does not directly change the encoded amino acid sequence of the FANCI protein. It affects a nucleotide within the consensus splice site. This variant is present in population databases (no rsID available, gnomAD 0.002%). This variant has not been reported in the literature in individuals affected with FANCI-related conditions. In summary, the available evidence is currently insufficient to determine the role of this variant in disease. Therefore, it has been classified as a Variant of Uncertain Significance. Variants that disrupt the consensus splice site are a relatively common cause of aberrant splicing (PMID: 17576681, 9536098). Algorithms developed to predict the effect of sequence changes on RNA splicing suggest that this variant is not likely to affect RNA splicing. ClinVar contains an entry for this variant (Variation ID: 1488613).

Literature cited by the submitters: PubMed 17576681 (cited by Labcorp Genetics (formerly Invitae), Labcorp); PubMed 9536098 (cited by Labcorp Genetics (formerly Invitae), Labcorp).